The following is an entry in ClinVar:

ClinVar aggregate classification (germline): Benign/Likely benign. Review status: criteria provided, multiple submitters, no conflicts (2 of 4 stars). 3 submissions from 3 submitters: Benign (1); Likely benign (2). Last evaluated 2023-09-08.

Conditions:
Wolfram syndrome 1 (WFS1). Identifiers: Orphanet 3463, MedGen C4551693, MONDO:0009101, OMIM 222300.

Allele frequency attached by ClinVar (database versions not stated): gnomAD exomes below 0.00001 and 0.00001; TOPMed 0.00001; gnomAD 0.00002.
gnomAD v4.1: 9 of 1,580,924 alleles (0.00057%); highest among the groups gnomAD compares: African/African-American, 0.004%; no homozygotes.

Submissions (3):

Labcorp Genetics (formerly Invitae), Labcorp
Classification: Likely benign. Last evaluated: 2023-09-08. Review status: criteria provided, single submitter. Criteria: Invitae Variant Classification Sherloc (09022015). Collection method: clinical testing. Allele origin: germline.

Blueprint Genetics
Classification: Likely benign. Last evaluated: 2022-11-02. Review status: criteria provided, single submitter. Criteria: ACMG Guidelines, 2015. Collection method: clinical testing. Allele origin: germline.

Clinical Genomics, Uppaluri K&H Personalized Medicine Clinic
Classification: Benign for Wolfram syndrome 1. Review status: criteria provided, single submitter. Criteria: K & H Uppaluri Personalized Medicine Clinic Variant Classification & Assertion Criteria_Updated V.1. Collection method: research. Allele origin: unknown. Inheritance: Autosomal recessive inheritance.
Comment: Potent mutations in WFS1 gene are associated with Wolfram's syndrome, an autosomal recessive condition, which cause diabetes mellitus, diabetes insipidus, deafness and optic atrophy. However no sufficient evidence is found to ascertain the role of this particular variant rs1282394241 in Wolfram's syndrome yet.

Literature cited by the submitters: PubMed 20738327 (cited by Clinical Genomics, Uppaluri K&H Personalized Medicine Clinic); PubMed 33879153 (cited by Clinical Genomics, Uppaluri K&H Personalized Medicine Clinic); PubMed 12955714 (cited by Clinical Genomics, Uppaluri K&H Personalized Medicine Clinic); PubMed 18060660 (cited by Clinical Genomics, Uppaluri K&H Personalized Medicine Clinic); PubMed 20301750 (cited by Clinical Genomics, Uppaluri K&H Personalized Medicine Clinic); PubMed 17603484 (cited by Clinical Genomics, Uppaluri K&H Personalized Medicine Clinic).

NM_006005.3(WFS1):c.57G>A (p.Pro19=)

Gene: WFS1 (wolframin ER transmembrane glycoprotein; plus strand). Cytogenetic location: 4p16.1.
Variant type: single nucleotide variant.
Coding change: c.57G>A on transcript NM_006005.3 (MANE Select); coding-DNA position 57, G replaced by A.
Protein change: p.Pro19=; no amino-acid change (proline 19 retained).
Molecular consequence: synonymous variant.
Genome position (GRCh38, 1-based): chr4:6,277,512, G>A. VCF-style: chr4-6277512-G-A. GRCh37 (hg19) VCF-style: chr4-6279239-G-A.
Other names: c.57G>A, p.Pro19= (NM_001145853.1).
Identifiers: ClinVar variation 799088 (VCV000799088.10), dbSNP rs1282394241, ClinGen allele CA438210437.